The following is an entry in ClinVar:

NM_014000.3(VCL):c.1195A>C (p.Asn399His)

Gene: VCL (vinculin; plus strand). Cytogenetic location: 10q22.2.
Variant type: single nucleotide variant.
Coding change: c.1195A>C on transcript NM_014000.3 (MANE Select); coding-DNA position 1195, A replaced by C.
Protein change: p.Asn399His; replaces asparagine 399 with histidine.
Molecular consequence: missense variant.
Genome position (GRCh38, 1-based): chr10:74,090,041, A>C. VCF-style: chr10-74090041-A-C. GRCh37 (hg19) VCF-style: chr10-75849799-A-C.
Other names: c.1195A>C, p.Asn399His (NM_003373.4); short protein forms N399H.
Identifiers: ClinVar variation 408949 (VCV000408949.16), dbSNP rs377228795, ClinGen allele CA5562950.

ClinVar aggregate classification (germline): Uncertain significance. Review status: criteria provided, multiple submitters, no conflicts (2 of 4 stars). 5 submissions from 5 submitters: Uncertain significance (5). Last evaluated 2026-08-26.

Conditions:
VCL-related disorder. Also called: VCL-related condition.
Cardiovascular phenotype. Identifiers: MedGen CN230736.
Hypertrophic cardiomyopathy 15. Identifiers: MedGen C2750459, MONDO:0013200, OMIM 613255.
Dilated cardiomyopathy 1W (CMD1W). Identifiers: Orphanet 154, MedGen C1969639, MONDO:0012667, OMIM 611407.

Allele frequency attached by ClinVar (database versions not stated): gnomAD exomes 0.00002; gnomAD 0.00006; 1000 Genomes Project 30x 0.00047; 1000 Genomes Project 0.00060.
gnomAD v4.1: 67 of 1,614,010 alleles (0.0042%); highest among the groups gnomAD compares: South Asian, 0.043%; 1 homozygote.

Submissions (5):

PreventionGenetics, part of Exact Sciences
Classification: Uncertain significance for VCL-related condition. Last evaluated: 2026-08-26. Review status: criteria provided, single submitter. Criteria: ACMG Guidelines, 2015. Collection method: clinical testing. Allele origin: germline.
Comment: The VCL c.1195A>C variant is predicted to result in the amino acid substitution p.Asn399His. This variant was reported in an individual from a dilated cardiomyopathy cohort (Table S3 in Mazzarotto et al. 2020. PubMed ID: 31983221). This variant is reported in 0.035% of alleles in individuals of East Asian descent in gnomAD. At this time, the clinical significance of this variant is uncertain due to the absence of conclusive functional and genetic evidence.

Labcorp Genetics (formerly Invitae), Labcorp
Classification: Uncertain significance for Dilated cardiomyopathy 1W. Last evaluated: 2026-02-01. Review status: criteria provided, single submitter. Criteria: Invitae Variant Classification Sherloc (09022015). Collection method: clinical testing. Allele origin: germline.
Comment: This sequence change replaces asparagine, which is neutral and polar, with histidine, which is basic and polar, at codon 399 of the VCL protein (p.Asn399His). This variant is present in population databases (rs377228795, gnomAD 0.03%). This missense change has been observed in individual(s) with dilated cardiomyopathy (PMID: 31983221). ClinVar contains an entry for this variant (Variation ID: 408949). An algorithm developed to predict the effect of missense changes on protein structure and function (PolyPhen-2) suggests that this variant is likely to be tolerated. In summary, the available evidence is currently insufficient to determine the role of this variant in disease. Therefore, it has been classified as a Variant of Uncertain Significance.

Ambry Genetics
Classification: Uncertain significance for Cardiovascular phenotype. Last evaluated: 2024-12-19. Review status: criteria provided, single submitter. Criteria: Ambry Variant Classification Scheme 2023. Collection method: clinical testing. Allele origin: germline.
Comment: The p.N399H variant (also known as c.1195A>C), located in coding exon 10 of the VCL gene, results from an A to C substitution at nucleotide position 1195. The asparagine at codon 399 is replaced by histidine, an amino acid with similar properties. This amino acid position is highly conserved in available vertebrate species. In addition, this alteration is predicted to be tolerated by in silico analysis. Since supporting evidence is limited at this time, the clinical significance of this alteration remains unclear.

Fulgent Genetics
Classification: Uncertain significance for Dilated cardiomyopathy 1W; Hypertrophic cardiomyopathy 15. Last evaluated: 2022-05-06. Review status: criteria provided, single submitter. Criteria: ACMG Guidelines, 2015. Collection method: clinical testing. Allele origin: unknown.

Stanford Center for Inherited Cardiovascular Disease, Stanford University
Classification: Uncertain significance. Last evaluated: 2017-01-09. Review status: criteria provided, single submitter. Criteria: ACMG Guidelines, 2015. Collection method: provider interpretation. Allele origin: germline.

Literature cited by the submitters: PubMed 31983221 (cited by Labcorp Genetics (formerly Invitae), Labcorp).